The following is an entry in ClinVar:

ClinVar aggregate classification (germline): Uncertain significance (1 of 4 stars; one submission).

Submission:

Ambry Genetics
Classification: Uncertain significance. Last evaluated: 2023-12-11. Review status: criteria provided, single submitter. Criteria: Ambry Variant Classification Scheme 2023. Collection method: clinical testing. Allele origin: germline.
Comment: The p.I278T variant (also known as c.833T>C), located in coding exon 4 of the TMPO gene, results from a T to C substitution at nucleotide position 833. The isoleucine at codon 278 is replaced by threonine, an amino acid with similar properties. This amino acid position is conserved. In addition, this alteration is predicted to be tolerated by in silico analysis. Since supporting evidence is limited at this time, the clinical significance of this alteration remains unclear.

NM_001032283.3(TMPO):c.565+1252T>C

Gene: TMPO (thymopoietin; plus strand). Cytogenetic location: 12q23.1.
Variant type: single nucleotide variant.
Coding change: c.565+1252T>C on transcript NM_001032283.3 (MANE Select); 1252 bases into the intron after coding-DNA position 565, T replaced by C.
Molecular consequence: intron variant. On other transcripts: missense variant (1).
Genome position (GRCh38, 1-based): chr12:98,533,090, T>C. VCF-style: chr12-98533090-T-C. GRCh37 (hg19) VCF-style: chr12-98926868-T-C.
Other names: c.833T>C, p.Ile278Thr (NM_003276.2); c.565+1252T>C (NM_001307975.2, NM_001032284.3); short protein forms I278T.
Identifiers: ClinVar variation 3223186 (VCV003223186.1), dbSNP rs2548502992, ClinGen allele CA386151911.